The following is an entry in ClinVar:

ClinVar aggregate classification (germline): Pathogenic/Likely pathogenic. Review status: criteria provided, multiple submitters, no conflicts (2 of 4 stars). 6 submissions from 6 submitters: Pathogenic (2); Likely pathogenic (4). Last evaluated 2026-01-14.

Conditions:
Propionic acidemia (PROP). Also called: GLYCINEMIA, KETOTIC; HYPERGLYCINEMIA WITH KETOACIDOSIS AND LEUKOPENIA; KETOTIC HYPERGLYCINEMIA. Identifiers: Orphanet 35, MedGen C0268579, MONDO:0011628, OMIM 606054, HP:0003571.

Allele frequency attached by ClinVar (database versions not stated): gnomAD 0.00001; gnomAD exomes 0.00001; TOPMed 0.00002.
gnomAD v4.1: 9 of 1,612,846 alleles (0.00056%); highest among the groups gnomAD compares: Non-Finnish European, 0.00076%; no homozygotes.

Submissions (6):

Labcorp Genetics (formerly Invitae), Labcorp
Classification: Pathogenic for Propionic acidemia. Last evaluated: 2026-01-14. Review status: criteria provided, single submitter. Criteria: Invitae Variant Classification Sherloc (09022015). Collection method: clinical testing. Allele origin: germline.
Comment: This sequence change falls in intron 23 of the PCCA gene. It does not directly change the encoded amino acid sequence of the PCCA protein. RNA analysis indicates that this variant induces altered splicing and likely disrupts the C-terminus of the protein. This variant is not present in population databases (gnomAD no frequency). This variant has been observed in individual(s) with propionic acidemia (PMID: 22033733; internal data). ClinVar contains an entry for this variant (Variation ID: 459938). Studies have shown that this variant results in activation of a cryptic splice site and introduces a new termination codon (PMID: 33923806). However the mRNA is not expected to undergo nonsense-mediated decay. For these reasons, this variant has been classified as Pathogenic.

Myriad Genetics, Inc.
Classification: Likely pathogenic for Propionic acidemia. Last evaluated: 2025-07-09. Review status: criteria provided, single submitter. Criteria: Myriad Autosomal Dominant, Autosomal Recessive and X-Linked Classification Criteria (2023). Collection method: clinical testing. Allele origin: unknown.
Comment: NM_000282.3(PCCA):c.2119-9A>G is an intronic variant classified as likely pathogenic in the context of PCCA-related propionic acidemia. c.2119-9A>G has been observed in cases with relevant disease (PMID: 22033733, 31249402, 37688338). Relevant functional assessments of this variant are available in the literature (PMID: 22033733, 33923806). c.2119-9A>G has not been observed in referenced population frequency databases. In summary, NM_000282.3(PCCA):c.2119-9A>G is an intronic variant that has been observed more frequently in cases with the relevant disease than in healthy populations. Please note: this variant was assessed in the context of healthy population screening.

Natera, Inc.
Classification: Likely pathogenic for Propionic acidemia. Last evaluated: 2024-08-08. Review status: criteria provided, single submitter. Criteria: Natera Variant Classification Schema (03/2026). Collection method: clinical testing. Allele origin: germline.
Comment: The c.2119-9A>G variant in PCCA is an intronic variant located outside the canonical splice sites. This variant is rare in the general population with a frequency below the threshold expected for the associated phenotype(s). This variant has been observed in one or more individuals affected with the associated recessive disease, as either homozygous or compound heterozygous with a second variant (PMID: 31249402, 37688338). Functional studies show that this variant may disrupt protein function (PMID: 33923806). Computational prediction algorithms indicate this variant is likely to affect gene or protein function. Given the available evidence, this variant is classified as Likely Pathogenic.

Fulgent Genetics
Classification: Likely pathogenic for Propionic acidemia. Last evaluated: 2024-04-26. Review status: criteria provided, single submitter. Criteria: ACMG Guidelines, 2015. Collection method: clinical testing. Allele origin: germline.

Baylor Genetics
Classification: Likely pathogenic for Propionic acidemia. Last evaluated: 2024-03-12. Review status: criteria provided, single submitter. Criteria: ACMG Guidelines, 2015. Collection method: clinical testing. Allele origin: unknown.

Laboratory of Inherited Metabolic Diseases, Research centre for medical genetics
Classification: Pathogenic for Propionic acidemia. Last evaluated: 2021-02-17. Review status: criteria provided, single submitter. Criteria: ACMG Guidelines, 2015. Collection method: research, in vitro. Allele origin: germline, not applicable. Affected: yes.
Comment: PS3, PM2, PM3, PP3, PP4

Literature cited by the submitters: PubMed 22033733 (cited by Labcorp Genetics (formerly Invitae), Labcorp and Myriad Genetics, Inc.); PubMed 33923806 (cited by 3 submitters); PubMed 31249402 (cited by Myriad Genetics, Inc. and Natera, Inc.); PubMed 37688338 (cited by Myriad Genetics, Inc. and Natera, Inc.).

NM_000282.4(PCCA):c.2119-9A>G

Gene: PCCA (propionyl-CoA carboxylase subunit alpha; plus strand). Cytogenetic location: 13q32.3.
Variant type: single nucleotide variant.
Coding change: c.2119-9A>G on transcript NM_000282.4 (MANE Select); 9 bases into the intron before coding-DNA position 2119, A replaced by G.
Molecular consequence: intron variant.
Genome position (GRCh38, 1-based): chr13:100,530,089, A>G. VCF-style: chr13-100530089-A-G. GRCh37 (hg19) VCF-style: chr13-101182343-A-G.
Other names: c.1978-9A>G (NM_001178004.2); c.2065-9A>G (NM_001352605.2); c.1975-9A>G (NM_001352606.2); c.1174-9A>G (NM_001352610.2); c.1120-9A>G (NM_001352611.2); c.1030-9A>G (NM_001352612.2); c.2041-9A>G (NM_001127692.3); c.1900-9A>G (NM_001352607.2); and 1 more.
Identifiers: ClinVar variation 459938 (VCV000459938.16), dbSNP rs1389933015, ClinGen allele CA484535001.
Genomic context (GRCh38, chr13:100,530,089, plus strand): 5'-GCCTGCCGCCTCTTGGTTCTGGTTACTAATTCTTACTCTCCCCTCCCCCTGCATTTTTCA[A>G]AATTCAAGGTGAAATCTGTGCACTGTCAAGCTGGAGACACAGTTGGAGAAGGGGATCTGC-3'